The following is an entry in ClinVar:

NM_001330260.2(SCN8A):c.1791C>T (p.Arg597=)

Gene: SCN8A (sodium voltage-gated channel alpha subunit 8; plus strand). Cytogenetic location: 12q13.13.
Variant type: single nucleotide variant.
Coding change: c.1791C>T on transcript NM_001330260.2 (MANE Select); coding-DNA position 1791, C replaced by T.
Protein change: p.Arg597=; no amino-acid change (arginine 597 retained).
Molecular consequence: synonymous variant.
Genome position (GRCh38, 1-based): chr12:51,721,701, C>T. VCF-style: chr12-51721701-C-T. GRCh37 (hg19) VCF-style: chr12-52115485-C-T.
Other names: c.1791C>T, p.Arg597= (NM_001177984.3, NM_001369788.1, NM_014191.4).
Identifiers: ClinVar variation 1110609 (VCV001110609.20), dbSNP rs1942065806, ClinGen allele CA480096403.
Genomic context (GRCh38, chr12:51,721,701, plus strand): 5'-GGGCTCCGAGAATGAGTTCGCGGATGACGAGCACAGCACGGTGGAGGAGAGCGAGGGCCG[C>T]CGGGACTCCCTCTTCATCCCCATCCGGGCCCGCGAGCGCCGGAGCAGCTACAGCGGCTAC-3'
Protein context (NP_001317189.1, residues 587-607): EHSTVEESEG[Arg597=]RDSLFIPIRA

ClinVar aggregate classification (germline): Likely benign. Review status: criteria provided, multiple submitters, no conflicts (2 of 4 stars). 2 submissions from 2 submitters: Likely benign (2). Last evaluated 2026-04-01.

Conditions:
Early-infantile DEE. Also called: Early infantile epileptic encephalopathy; Ohtahara syndrome; Early infantile epileptic encephalopathy with suppression bursts. Identifiers: Orphanet 1934, MedGen C0393706, MONDO:0800491.

Allele frequency attached by ClinVar (database versions not stated): gnomAD exomes below 0.00001; TOPMed below 0.00001.
gnomAD v4.1: 2 of 1,589,950 alleles (0.00013%); highest among the groups gnomAD compares: Non-Finnish European, 0.00017%; no homozygotes.

Submissions (2):

CeGaT Center for Human Genetics Tuebingen
Classification: Likely benign. Last evaluated: 2026-04-01. Review status: criteria provided, single submitter. Criteria: CeGaT Center For Human Genetics Tuebingen Variant Classification Criteria Version 2. Collection method: clinical testing. Allele origin: germline. Affected: yes. Observed: 1 variant allele.
Comment: SCN8A: BP4, BP7

Labcorp Genetics (formerly Invitae), Labcorp
Classification: Likely benign for Early-infantile DEE. Last evaluated: 2022-12-06. Review status: criteria provided, single submitter. Criteria: Invitae Variant Classification Sherloc (09022015). Collection method: clinical testing. Allele origin: germline.